The following is an entry in ClinVar:

ClinVar aggregate classification (germline): Uncertain significance (1 of 4 stars; one submission).

Conditions:
Episodic ataxia type 2 (EA2). Also called: ATAXIA, EPISODIC, WITH NYSTAGMUS; ATAXIA, FAMILIAL PAROXYSMAL; CEREBELLAR ATAXIA, PAROXYSMAL, ACETAZOLAMIDE-RESPONSIVE; CEREBELLOPATHY, HEREDITARY PAROXYSMAL; EPISODIC ATAXIA, NYSTAGMUS-ASSOCIATED; ACETAZOLAMIDE-RESPONSIVE HEREDITARY PAROXYSMAL CEREBELLAR ATAXIA. Identifiers: Orphanet 97, MedGen C1720416, MONDO:0007163, OMIM 108500.
Developmental and epileptic encephalopathy, 42 (DEE42A). Also called: Epileptic encephalopathy, early infantile, 42; DEVELOPMENTAL AND EPILEPTIC ENCEPHALOPATHY 42A; EPILEPTIC ENCEPHALOPATHY, EARLY INFANTILE, 42A. Identifiers: MedGen C4310716, MONDO:0014917, OMIM 617106.

Submission:

Labcorp Genetics (formerly Invitae), Labcorp
Classification: Uncertain significance for Developmental and epileptic encephalopathy, 42; Episodic ataxia type 2. Last evaluated: 2022-01-27. Review status: criteria provided, single submitter. Criteria: Invitae Variant Classification Sherloc (09022015). Collection method: clinical testing. Allele origin: germline.
Comment: In summary, the available evidence is currently insufficient to determine the role of this variant in disease. Therefore, it has been classified as a Variant of Uncertain Significance. Advanced modeling of protein sequence and biophysical properties (such as structural, functional, and spatial information, amino acid conservation, physicochemical variation, residue mobility, and thermodynamic stability) performed at Invitae indicates that this missense variant is expected to disrupt CACNA1A protein function. This variant has not been reported in the literature in individuals affected with CACNA1A-related conditions. This variant is not present in population databases (gnomAD no frequency). This sequence change replaces arginine, which is basic and polar, with proline, which is neutral and non-polar, at codon 1834 of the CACNA1A protein (p.Arg1834Pro).

NM_001127222.2(CACNA1A):c.5498G>C (p.Arg1833Pro)

Gene: CACNA1A (calcium voltage-gated channel subunit alpha1 A; minus strand). Cytogenetic location: 19p13.13.
Variant type: single nucleotide variant.
Coding change: c.5498G>C on transcript NM_001127222.2 (MANE Select); coding-DNA position 5498, G replaced by C.
Protein change: p.Arg1833Pro; replaces arginine 1833 with proline.
Molecular consequence: missense variant.
Genome position (GRCh38, 1-based): chr19:13,230,112, C>G on the plus strand (G>C on the coding strand, the complement: CACNA1A is on the minus strand). VCF-style: chr19-13230112-C-G. GRCh37 (hg19) VCF-style: chr19-13340926-C-G.
Other names: c.5516G>C, p.Arg1839Pro (NM_000068.4, NM_023035.3); c.5501G>C, p.Arg1834Pro (NM_001127221.2); c.5507G>C, p.Arg1836Pro (NM_001174080.2); short protein forms R1834P, R1836P, R1839P, R1833P.
Identifiers: ClinVar variation 2087726 (VCV002087726.4), dbSNP rs2512617690, ClinGen allele CA404333393.